The following is an entry in ClinVar:

ClinVar aggregate classification (germline): Likely pathogenic (1 of 4 stars; one submission).

Conditions:
alpha Thalassemia. Also called: Alpha thalassemia spectrum. Identifiers: Orphanet 846, MedGen C0002312, MONDO:0011399, OMIM 604131.

Submission:

Natera, Inc.
Classification: Likely pathogenic for Alpha thalassemia. Last evaluated: 2025-05-27. Review status: criteria provided, single submitter. Criteria: Natera Variant Classification Schema (03/2026). Collection method: clinical testing. Allele origin: germline.
Comment: The c.153del variant in HBA2 is a frameshift variant predicted to shift the reading frame beginning at codon 51 and leads to a stop codon 17 codons downstream. This variant is expected to result in nonsense mediated decay, truncation, or a dysfunctional protein product. This variant is rare in the general population with a frequency below the threshold expected for the associated phenotype(s). Given the available evidence, this variant is classified as Likely Pathogenic.

NM_000517.6(HBA2):c.153del (p.His51fs)

Genes: HBA2 (hemoglobin subunit alpha 2; plus strand), LOC106804612 (hemoglobin subunit alpha 2 recombination region; plus strand). Cytogenetic location: 16p13.3.
Variant type: Deletion.
Coding change: c.153del on transcript NM_000517.6 (MANE Select); coding-DNA position 153, one base deleted (C; older notation c.153delC).
Protein change: p.His51fs; shifts the reading frame from histidine 51.
Molecular consequence: frameshift variant.
Genome position (GRCh38, 1-based): chr16:173,182, C deleted. VCF-style (leftmost placement, unchanged base first): chr16-173181-AC-A. GRCh37 (hg19) VCF-style: chr16-223180-AC-A.
Other names: short protein forms H51fs.
Identifiers: ClinVar variation 4069067 (VCV004069067.2).